The following is an entry in ClinVar:

NM_000078.3(CETP):c.658+8C>T

Genes: CETP (cholesteryl ester transfer protein; plus strand), LOC130059064 (ATAC-STARR-seq lymphoblastoid active region 10867; plus strand). Cytogenetic location: 16q13.
Variant type: single nucleotide variant.
Coding change: c.658+8C>T on transcript NM_000078.3 (MANE Select); 8 bases into the intron after coding-DNA position 658, C replaced by T.
Molecular consequence: intron variant.
Genome position (GRCh38, 1-based): chr16:56,971,389, C>T. VCF-style: chr16-56971389-C-T. GRCh37 (hg19) VCF-style: chr16-57005301-C-T.
Other names: p.?; c.658+8C>T (NM_001286085.2).
Identifiers: ClinVar variation 319981 (VCV000319981.17), dbSNP rs1532625, ClinGen allele CA8071028.

ClinVar aggregate classification (germline): Benign. Review status: criteria provided, multiple submitters, no conflicts (2 of 4 stars). 8 submissions from 8 submitters: Benign (6). 2 of the submissions do not count toward it. Last evaluated 2026-02-04.

Conditions:
Hyperalphalipoproteinemia 1 (HALP1). Also called: CETP-Related Hyperalphalipoproteinemia; CETP DEFICIENCY. Identifiers: MedGen C3149462, OMIM 143470.

Allele frequency attached by ClinVar (database versions not stated): 1000 Genomes Project 30x 0.30840; 1000 Genomes Project 0.31310; TOPMed 0.32653; ESP Exome Variant Server 0.33510; gnomAD 0.33778 and 0.34292; ExAC 0.39590; gnomAD exomes 0.39690 and 0.42556.
gnomAD v4.1: 672,346 of 1,611,616 alleles (42%); highest among the groups gnomAD compares: South Asian, 48%; 144,548 homozygotes.

Submissions (8):

Labcorp Genetics (formerly Invitae), Labcorp
Classification: Benign. Last evaluated: 2026-02-04. Review status: criteria provided, single submitter. Criteria: Invitae Variant Classification Sherloc (09022015). Collection method: clinical testing. Allele origin: germline.

Molecular Diagnostic Laboratory for Inherited Cardiovascular Disease, Montreal Heart Institute
Classification: Benign. Last evaluated: 2025-04-09. Review status: criteria provided, single submitter. Criteria: ACMG Guidelines, 2015. Collection method: clinical testing. Allele origin: germline. Affected: no.

Mayo Clinic Laboratories, Mayo Clinic
Classification: Benign. Last evaluated: 2022-04-26. Review status: criteria provided, single submitter. Criteria: ACMG Guidelines, 2015. Collection method: clinical testing. Allele origin: germline. Observed: 397 variant alleles.

GeneDx
Classification: Benign. Last evaluated: 2018-08-30. Review status: criteria provided, single submitter. Criteria: GeneDx Variant Classification Process June 2021. Collection method: clinical testing. Allele origin: germline. Affected: yes.

Illumina Laboratory Services, Illumina
Classification: Benign for Hyperalphalipoproteinemia 1. Last evaluated: 2018-01-13. Review status: criteria provided, single submitter. Criteria: ICSL Variant Classification Criteria 13 December 2019. Collection method: clinical testing. Allele origin: germline.
Comment: This variant was observed in the ICSL laboratory as part of a predisposition screen in an ostensibly healthy population. It had not been previously curated by ICSL or reported in the Human Gene Mutation Database (HGMD: prior to June 1st, 2018), and was therefore a candidate for classification through an automated scoring system. Utilizing variant allele frequency, disease prevalence and penetrance estimates, and inheritance mode, an automated score was calculated to assess if this variant is too frequent to cause the disease. Based on the score and internal cut-off values, a variant classified as benign is not then subjected to further curation. The score for this variant resulted in a classification of benign for this disease.

Breakthrough Genomics
Classification: Benign. Review status: criteria provided, single submitter. Criteria: ACMG Guidelines, 2015. Collection method: not provided. Allele origin: germline. Inheritance: Autosomal dominant inheritance. Affected: yes.

Clinical Genetics, Academic Medical Center
Classification: Benign. Review status: no assertion criteria provided. Collection method: clinical testing. Allele origin: germline. Affected: yes. Study: VKGL Data-share Consensus. Not counted in ClinVar's aggregate classification.

Diagnostic Laboratory, Department of Genetics, University Medical Center Groningen
Classification: Benign for Hyperalphalipoproteinemia 1. Review status: no assertion criteria provided. Collection method: clinical testing. Allele origin: germline. Affected: yes. Study: VKGL Data-share Consensus. Not counted in ClinVar's aggregate classification.